The following is an entry in ClinVar:

ClinVar aggregate classification (germline): Conflicting classifications of pathogenicity. Review status: criteria provided, conflicting classifications (1 of 4 stars). 2 submissions from 2 submitters: Uncertain significance (1); Likely benign (1). Last evaluated 2025-12-30.

Conditions:
Cardiovascular phenotype. Identifiers: MedGen CN230736.
Long QT syndrome (LQTS). Identifiers: MedGen C0023976, MeSH D008133, MONDO:0002442. Disease mechanism: loss of function. Inheritance: Various modes of inheritance.

Submissions (2):

Ambry Genetics
Classification: Likely benign for Cardiovascular phenotype. Last evaluated: 2025-12-30. Review status: criteria provided, single submitter. Criteria: Ambry Variant Classification Scheme 2023. Collection method: clinical testing. Allele origin: germline.

Labcorp Genetics (formerly Invitae), Labcorp
Classification: Uncertain significance for Long QT syndrome. Last evaluated: 2024-02-17. Review status: criteria provided, single submitter. Criteria: Invitae Variant Classification Sherloc (09022015). Collection method: clinical testing. Allele origin: germline.
Comment: This variant, c.8151_8153del, results in the deletion of 1 amino acid(s) of the AKAP9 protein (p.Glu2718del), but otherwise preserves the integrity of the reading frame. The frequency data for this variant in the population databases is considered unreliable, as metrics indicate poor data quality at this position in the gnomAD database. This variant has not been reported in the literature in individuals affected with AKAP9-related conditions. Experimental studies and prediction algorithms are not available or were not evaluated, and the functional significance of this variant is currently unknown. In summary, the available evidence is currently insufficient to determine the role of this variant in disease. Therefore, it has been classified as a Variant of Uncertain Significance.

NM_005751.5(AKAP9):c.8148AGA[1] (p.Glu2718del)

Gene: AKAP9 (A-kinase anchoring protein 9; plus strand). Cytogenetic location: 7q21.2.
Variant type: Microsatellite.
Coding change: c.8148AGA[1] on transcript NM_005751.5 (MANE Select); one copy of the 3-base unit AGA starting at c.8148; the reference has two copies in a row; one copy, 3 bases deleted.
Protein change: p.Glu2718del; deletes glutamic acid 2718.
Molecular consequence: inframe deletion.
Genome position (GRCh38, 1-based): chr7:92,082,653-92,082,655, AGA deleted; deleting any 3 consecutive bases within chr7:92,082,649-92,082,655 gives the same sequence; the position shown is the placement nearest the transcript's 3' end. VCF-style (leftmost placement, unchanged base first): chr7-92082648-CAAG-C. GRCh37 (hg19) VCF-style: chr7-91711962-CAAG-C.
Other names: c.2793AGA[1], p.Glu933del (NM_001379277.1); c.8124AGA[1], p.Glu2710del (NM_147185.3); c.8151_8153delAGA (NM_005751.4); short protein forms E2710del, E2718del, E933del.
Identifiers: ClinVar variation 1024606 (VCV001024606.9), dbSNP rs752164981, ClinGen allele CA4337420.